The following is an entry in ClinVar:

ClinVar aggregate classification (germline): Uncertain significance (1 of 4 stars; one submission).

Conditions:
Inborn genetic diseases. Identifiers: MedGen C0950123, MeSH D030342.

gnomAD v4.1: 2 of 1,613,382 alleles (0.00012%); highest among the groups gnomAD compares: Non-Finnish European, 0.00017%; no homozygotes.

Submission:

Ambry Genetics
Classification: Uncertain significance for Inborn genetic diseases. Last evaluated: 2025-11-24. Review status: criteria provided, single submitter. Criteria: Ambry Variant Classification Scheme 2023. Collection method: clinical testing. Allele origin: germline.
Comment: The p.R91H variant (also known as c.272G>A), located in coding exon 3 of the RUNX1 gene, results from a G to A substitution at nucleotide position 272. The arginine at codon 91 is replaced by histidine, an amino acid with highly similar properties. This amino acid position is conserved. In addition, this alteration is predicted to be deleterious by in silico analysis. Based on the available evidence, the clinical significance of this variant remains unclear.

NM_001754.5(RUNX1):c.272G>A (p.Arg91His)

Gene: RUNX1 (RUNX family transcription factor 1; minus strand). Cytogenetic location: 21q22.12.
Variant type: single nucleotide variant.
Coding change: c.272G>A on transcript NM_001754.5 (MANE Select); coding-DNA position 272, G replaced by A.
Protein change: p.Arg91His; replaces arginine 91 with histidine.
Molecular consequence: missense variant.
Genome position (GRCh38, 1-based): chr21:34,886,922, C>T on the plus strand (G>A on the coding strand, the complement: RUNX1 is on the minus strand). VCF-style: chr21-34886922-C-T. GRCh37 (hg19) VCF-style: chr21-36259219-C-T.
Other names: c.191G>A, p.Arg64His (NM_001001890.3, NM_001122607.2); short protein forms R64H, R91H.
Identifiers: ClinVar variation 4629715 (VCV004629715.1).
Genomic context (GRCh38, chr21:34,886,922, plus strand): 5'-GTCTTGTTGCAGCGCCAGTGCGTAGGCAGCACGGAGCAGAGGAAGTTGGGGCTGTCGGTG[C>T]GCACCAGCTCGCCCGGGTGGTCGGCCAGCACCTCCACCATGCTGCGGTCGCCGCTCCTCA-3'
Protein context (NP_001745.2, residues 81-101): VLADHPGELV[Arg91His]TDSPNFLCSV